The following is an entry in ClinVar:

ClinVar aggregate classification (germline): Conflicting classifications of pathogenicity. Review status: criteria provided, conflicting classifications (1 of 4 stars). 2 submissions from 2 submitters: Uncertain significance (1); Likely benign (1). Last evaluated 2023-03-23.

Conditions:
Hereditary breast ovarian cancer syndrome. Also called: BRCA1- and BRCA2-Associated Hereditary Breast and Ovarian Cancer; Hereditary breast and ovarian cancer; Hereditary breast and ovarian cancer syndrome; Breast and ovarian cancer; Hereditary breast and/or ovarian cancer syndrome; Hereditary breast and ovarian cancer syndrome (HBOC). Identifiers: Orphanet 145, MedGen C0677776, MeSH D061325, MONDO:0003582. Disease mechanism: loss of function.
Hereditary cancer-predisposing syndrome. Also called: Tumor predisposition; Hereditary neoplastic syndrome; Neoplastic Syndromes, Hereditary; Hereditary Cancer Syndrome. Identifiers: Orphanet 140162, MedGen C0027672, MeSH D009386, MONDO:0015356.

Submissions (2):

University of Washington Department of Laboratory Medicine, University of Washington
Classification: Likely benign for Hereditary cancer-predisposing syndrome. Last evaluated: 2023-03-23. Review status: criteria provided, single submitter. Criteria: Dines et al. (Genet Med. 2020). Collection method: curation. Allele origin: germline.
Comment: Missense variant in a coldspot region where missense variants are very unlikely to be pathogenic (PMID:31911673).

BRCA2 exon 11 coldspot. Reclassification based on statistical prior probability.

Labcorp Genetics (formerly Invitae), Labcorp
Classification: Uncertain significance for Hereditary breast ovarian cancer syndrome. Last evaluated: 2020-05-21. Review status: criteria provided, single submitter. Criteria: Invitae Variant Classification Sherloc (09022015). Collection method: clinical testing. Allele origin: germline.
Comment: In summary, the available evidence is currently insufficient to determine the role of this variant in disease. Therefore, it has been classified as a Variant of Uncertain Significance. Algorithms developed to predict the effect of missense changes on protein structure and function output the following: SIFT: "Tolerated"; PolyPhen-2: "Benign"; Align-GVGD: "Class C0". The threonine amino acid residue is found in multiple mammalian species, suggesting that this missense change does not adversely affect protein function. These predictions have not been confirmed by published functional studies and their clinical significance is uncertain. This variant has not been reported in the literature in individuals with BRCA2-related conditions. This variant is not present in population databases (ExAC no frequency). This sequence change replaces methionine with threonine at codon 2192 of the BRCA2 protein (p.Met2192Thr). The methionine residue is weakly conserved and there is a moderate physicochemical difference between methionine and threonine.

NM_000059.4(BRCA2):c.6575T>C (p.Met2192Thr)

Gene: BRCA2 (BRCA2 DNA repair associated; plus strand). Cytogenetic location: 13q13.1.
Variant type: single nucleotide variant.
Coding change: c.6575T>C on transcript NM_000059.4 (MANE Select); coding-DNA position 6575, T replaced by C.
Protein change: p.Met2192Thr; replaces methionine 2192 with threonine.
Molecular consequence: missense variant.
Genome position (GRCh38, 1-based): chr13:32,340,930, T>C. VCF-style: chr13-32340930-T-C. GRCh37 (hg19) VCF-style: chr13-32915067-T-C.
Other names: short protein forms M2192T.
Identifiers: ClinVar variation 1010733 (VCV001010733.10), dbSNP rs2072559893, ClinGen allele CA387789926.